The following is an entry in ClinVar:

ClinVar aggregate classification (germline): Uncertain significance. Review status: criteria provided, multiple submitters, no conflicts (2 of 4 stars). 5 submissions from 5 submitters: Uncertain significance (5). Last evaluated 2026-03-27.

Conditions:
Myoclonic epilepsy, juvenile, susceptibility to, 1. Also called: Myoclonic Epilepsy, Juvenile, 1; EJM1. Identifiers: MedGen C1850778, MONDO:0020752, OMIM 254770.
Absence seizure. Also called: Absence epilepsy. Identifiers: Orphanet 1941, MedGen C0014553.

Submissions (5):

Women's Health and Genetics/Laboratory Corporation of America, LabCorp
Classification: Uncertain significance. Last evaluated: 2026-03-27. Review status: criteria provided, single submitter. Criteria: LabCorp Variant Classification Summary - May 2015. Collection method: clinical testing. Allele origin: germline.
Comment: Variant summary: EFHC1 c.682_692del11 (p.Asp228ThrfsX8) results in a premature termination codon, predicted to cause a truncation of the encoded protein or absence of the protein due to nonsense mediated decay, however current evidence is not sufficient to establish loss of function as a mechanism for disease. The variant allele was found at a frequency of 3.6e-05 in 251442 control chromosomes. The available data on variant occurrences in the general population are insufficient to allow any conclusion about variant significance. To our knowledge, no occurrence of c.682_692del11 in individuals affected with EFHC1-related conditions and no experimental evidence demonstrating its impact on protein function have been reported. ClinVar contains an entry for this variant (Variation ID: 411574). Based on the evidence outlined above, the variant was classified as uncertain significance.

Blueprint Genetics
Classification: Uncertain significance. Last evaluated: 2024-11-12. Review status: criteria provided, single submitter. Criteria: ACMG Guidelines, 2015. Collection method: clinical testing. Allele origin: germline.

Fulgent Genetics
Classification: Uncertain significance for Myoclonic epilepsy, juvenile, susceptibility to, 1; Epilepsy, juvenile absence, susceptibility to, 1. Last evaluated: 2022-02-15. Review status: criteria provided, single submitter. Criteria: ACMG Guidelines, 2015. Collection method: clinical testing. Allele origin: unknown.

ARUP Laboratories, Molecular Genetics and Genomics, ARUP Laboratories
Classification: Uncertain significance. Last evaluated: 2020-02-14. Review status: criteria provided, single submitter. Criteria: ARUP Molecular Germline Variant Investigation Process. Collection method: clinical testing. Allele origin: germline.

Labcorp Genetics (formerly Invitae), Labcorp
Classification: Uncertain significance for Myoclonic epilepsy, juvenile, susceptibility to, 1; Absence seizure. Last evaluated: 2019-08-22. Review status: criteria provided, single submitter. Criteria: Invitae Variant Classification Sherloc (09022015). Collection method: clinical testing. Allele origin: germline.
Comment: The frequency data for this variant in the population databases is considered unreliable, as metrics indicate poor data quality at this position in the ExAC database. This variant has not been reported in the literature in individuals with EFHC1-related conditions. The current clinical and genetic evidence is not sufficient to establish whether loss-of-function variants in EFHC1 cause disease. This sequence change creates a premature translational stop signal (p.Asp228Thrfs*8) in the EFHC1 gene. It is expected to result in an absent or disrupted protein product. In summary, the available evidence is currently insufficient to determine the role of this variant in disease. Therefore, it has been classified as a Variant of Uncertain Significance.

NM_018100.4(EFHC1):c.682_692del (p.Asp228fs)

Gene: EFHC1 (EF-hand domain containing 1; plus strand). Cytogenetic location: 6p12.2.
Variant type: Deletion.
Coding change: c.682_692del on transcript NM_018100.4 (MANE Select); coding-DNA positions 682 to 692, 11 bases deleted (GACTTTGATCA).
Protein change: p.Asp228fs; shifts the reading frame from aspartic acid 228.
Molecular consequence: frameshift variant. On other transcripts: non-coding transcript variant (1).
Genome position (GRCh38, 1-based): chr6:52,452,796-52,452,806, GACTTTGATCA deleted; deleting any 11 consecutive bases within chr6:52,452,792-52,452,806 gives the same sequence; the c. name uses the placement nearest the transcript's 3' end. VCF-style (leftmost placement, unchanged base first): chr6-52452791-CATCAGACTTTG-C. GRCh37 (hg19) VCF-style: chr6-52317589-CATCAGACTTTG-C.
Other names: c.625_635del, p.Asp209fs (NM_001172420.2); c.682_692del (NM_018100.3); c.682_692del11 (NM_018100.4); short protein forms D209fs, D228fs.
Identifiers: ClinVar variation 411574 (VCV000411574.20), dbSNP rs775980459, ClinGen allele CA3855801.
Genomic context (GRCh38, chr6:52,452,791, plus strand): 5'-AGATGGCTCTTGATCCTTACACTGAACTCCGAAAACAGCCTCTTCGTAAGTATGTCACCC[CATCAGACTTTG>C]ATCAACTCAAGCAATTTCTCACCTTTGACAAACAGGTAAGTGACATAGGAACCACAATAG-3'